The following is an entry in ClinVar:

ClinVar aggregate classification (germline): Likely pathogenic (1 of 4 stars; one submission).

Conditions:
Familial pulmonary capillary hemangiomatosis (PVOD2). Also called: Pulmonary venoocclusive disease 2; Pulmonary venoocclusive disease 2, autosomal recessive. Identifiers: Orphanet 199241, MedGen C0340848, MONDO:0009329, OMIM 234810.

Submission:

Clinical Genomics Laboratory, Washington University in St. Louis
Classification: Likely pathogenic for Familial pulmonary capillary hemangiomatosis. Last evaluated: 2026-02-28. Review status: criteria provided, single submitter. Criteria: ACMG Guidelines, 2015. Collection method: clinical testing. Allele origin: germline. Affected: yes.
Comment: The EIF2AK4 c.4295G>A (p.Trp1432*) variant, to our knowledge, has not been reported in the medical literature. This variant leads to a premature termination codon, which is predicted to lead to nonsense mediated decay. This variant is absent from the general population (gnomAD v4.1.0), indicating it is not a common variant. Based on available information and the ACMG/AMP guidelines for variant interpretation (Richards S et al., PMID: 25741868), this variant is classified as likely pathogenic.

NM_001013703.4(EIF2AK4):c.4295G>A (p.Trp1432Ter)

Gene: EIF2AK4 (eukaryotic translation initiation factor 2 alpha kinase 4; plus strand). Cytogenetic location: 15q15.1.
Variant type: single nucleotide variant.
Coding change: c.4295G>A on transcript NM_001013703.4 (MANE Select); coding-DNA position 4295, G replaced by A.
Protein change: p.Trp1432Ter; replaces tryptophan 1432 with a stop codon.
Molecular consequence: nonsense.
Genome position (GRCh38, 1-based): chr15:40,021,020, G>A. VCF-style: chr15-40021020-G-A. GRCh37 (hg19) VCF-style: chr15-40313221-G-A.
Other names: short protein forms W1432*.
Identifiers: ClinVar variation 4879497 (VCV004879497.1).
Genomic context (GRCh38, chr15:40,021,020, plus strand): 5'-CCATCAACCTAACCCAGAAACTCTGGACAGCAGGCATCACAGCAGAAATCATGTACGACT[G>A]GTCACAGGTAATGGGACAAAAAGCACCTGTGAGTGAAGTGCAAATTGCTATGGCTTTCAT-3'